The following is an entry in ClinVar:

NM_002875.5(RAD51):c.225+614C>T

Gene: RAD51 (RAD51 recombinase; plus strand). Cytogenetic location: 15q15.1.
Variant type: single nucleotide variant.
Coding change: c.225+614C>T on transcript NM_002875.5 (MANE Select); 614 bases into the intron after coding-DNA position 225, C replaced by T.
Molecular consequence: intron variant. On other transcripts: missense variant (2).
Genome position (GRCh38, 1-based): chr15:40,701,815, C>T. VCF-style: chr15-40701815-C-T. GRCh37 (hg19) VCF-style: chr15-40994013-C-T.
Other names: c.235C>T, p.Arg79Cys (NM_001164269.2, NM_133487.4); c.225+614C>T (NM_001164270.2); short protein forms R79C.
Identifiers: ClinVar variation 4988194 (VCV004988194.1).
Genomic context (GRCh38, chr15:40,701,815, plus strand): 5'-GTTTTATGTAGTATAAAGCAGATTTTTTTTTTTTTTTTTTTTTTTTTTGAGACGGAGTCT[C>T]GCTCTGTTGCCAGGCTGGAGTGCAATAGCGTGATCTTGGTCTACTGCACCCTCCGCCTCT-3'

ClinVar aggregate classification (germline): Likely benign (1 of 4 stars; one submission).

Conditions:
RAD51-related disorder. Also called: RAD51-related disorders; RAD51-related condition.

gnomAD v4.1: 37 of 221,888 alleles (0.017%); highest among the groups gnomAD compares: Non-Finnish European, 0.023%; no homozygotes.

Submission:

PreventionGenetics, part of Exact Sciences
Classification: Likely benign for RAD51-related condition. Last evaluated: 2026-07-07. Review status: criteria provided, single submitter. Criteria: ACMG Guidelines, 2015. Collection method: clinical testing. Allele origin: germline.
Comment: This variant is classified as likely benign based on ACMG/AMP sequence variant interpretation guidelines (Richards et al. 2015 PMID: 25741868, with internal and published modifications).